The following is an entry in ClinVar:

ClinVar aggregate classification (germline): Uncertain significance (1 of 4 stars; one submission).

Conditions:
Deficiency of adenosine deaminase 2. Also called: Polyarteritis nodosa, childhoood-onset; Adenosine Deaminase 2 Deficiency; VASCULITIS, AUTOINFLAMMATION, IMMUNODEFICIENCY, AND HEMATOLOGIC DEFECTS SYNDROME. Identifiers: Orphanet 404553, MedGen C3887654, MONDO:0014306, OMIM 615688, MONDO:0100317.

gnomAD v4.1: 22 of 1,612,378 alleles (0.0014%); highest among the groups gnomAD compares: Non-Finnish European, 0.0014%; no homozygotes.

Submission:

Labcorp Genetics (formerly Invitae), Labcorp
Classification: Uncertain significance for Deficiency of adenosine deaminase 2. Last evaluated: 2025-01-14. Review status: criteria provided, single submitter. Criteria: Invitae Variant Classification Sherloc (09022015). Collection method: clinical testing. Allele origin: germline.
Comment: This sequence change replaces isoleucine, which is neutral and non-polar, with methionine, which is neutral and non-polar, at codon 245 of the ADA2 protein (p.Ile245Met). This variant is present in population databases (rs143648454, gnomAD 0.0009%). This variant has not been reported in the literature in individuals affected with ADA2-related conditions. Invitae Evidence Modeling of protein sequence and biophysical properties (such as structural, functional, and spatial information, amino acid conservation, physicochemical variation, residue mobility, and thermodynamic stability) indicates that this missense variant is not expected to disrupt ADA2 protein function with a negative predictive value of 80%. In summary, the available evidence is currently insufficient to determine the role of this variant in disease. Therefore, it has been classified as a Variant of Uncertain Significance.

NM_001282225.2(ADA2):c.735C>G (p.Ile245Met)

Gene: ADA2 (adenosine deaminase 2; minus strand). Cytogenetic location: 22q11.1.
Variant type: single nucleotide variant.
Coding change: c.735C>G on transcript NM_001282225.2 (MANE Select); coding-DNA position 735, C replaced by G.
Protein change: p.Ile245Met; replaces isoleucine 245 with methionine.
Molecular consequence: missense variant.
Genome position (GRCh38, 1-based): chr22:17,203,581, G>C on the plus strand (C>G on the coding strand, the complement: ADA2 is on the minus strand). VCF-style: chr22-17203581-G-C. GRCh37 (hg19) VCF-style: chr22-17684471-G-C.
Other names: c.735C>G, p.Ile245Met (NM_001282226.2); c.609C>G, p.Ile203Met (NM_001282227.2, NM_001282228.2); c.375C>G, p.Ile125Met (NM_001282229.2); short protein forms I125M, I203M, I245M.
Identifiers: ClinVar variation 3709521 (VCV003709521.1).